The following is an entry in ClinVar:

ClinVar aggregate classification (germline): Uncertain significance. Review status: criteria provided, multiple submitters, no conflicts (2 of 4 stars). 3 submissions from 3 submitters: Uncertain significance (3). Last evaluated 2022-03-18.

Conditions:
Hereditary cancer-predisposing syndrome. Also called: Tumor predisposition; Hereditary Cancer Syndrome; Hereditary neoplastic syndrome; Neoplastic Syndromes, Hereditary. Identifiers: Orphanet 140162, MedGen C0027672, MeSH D009386, MONDO:0015356.
Hereditary diffuse gastric adenocarcinoma (HDGC). Also called: DIFFUSE GASTRIC AND LOBULAR BREAST CANCER SYNDROME. Identifiers: Orphanet 26106, MedGen C1708349, MONDO:0007648, OMIM 137215.

Submissions (3):

GeneDx
Classification: Uncertain significance. Last evaluated: 2022-03-18. Review status: criteria provided, single submitter. Criteria: GeneDx Variant Classification Process June 2021. Collection method: clinical testing. Allele origin: germline. Affected: yes.
Comment: Not observed at significant frequency in large population cohorts (gnomAD); In silico analysis supports that this missense variant does not alter protein structure/function; Has not been previously published as pathogenic or benign to our knowledge; This variant is associated with the following publications: (PMID: 15235021, 22850631)

Labcorp Genetics (formerly Invitae), Labcorp
Classification: Uncertain significance for Hereditary diffuse gastric adenocarcinoma. Last evaluated: 2021-08-23. Review status: criteria provided, single submitter. Criteria: Invitae Variant Classification Sherloc (09022015). Collection method: clinical testing. Allele origin: germline.
Comment: In summary, the available evidence is currently insufficient to determine the role of this variant in disease. Therefore, it has been classified as a Variant of Uncertain Significance. Algorithms developed to predict the effect of missense changes on protein structure and function (SIFT, PolyPhen-2, Align-GVGD) all suggest that this variant is likely to be tolerated. ClinVar contains an entry for this variant (Variation ID: 233874). This variant has not been reported in the literature in individuals affected with CDH1-related conditions. This variant is not present in population databases (ExAC no frequency). This sequence change replaces methionine with arginine at codon 517 of the CDH1 protein (p.Met517Arg). The methionine residue is moderately conserved and there is a moderate physicochemical difference between methionine and arginine.

Ambry Genetics
Classification: Uncertain significance for Hereditary cancer-predisposing syndrome. Last evaluated: 2015-09-03. Review status: criteria provided, single submitter. Criteria: Ambry Variant Classification Scheme 2023. Collection method: clinical testing. Allele origin: germline.
Comment: The p.M517R variant (also known as c.1550T>G), located in coding exon 10 of the CDH1 gene, results from a T to G substitution at nucleotide position 1550. The methionine at codon 517 is replaced by arginine, an amino acid with similar properties. This variant was not reported in population based cohorts in the following databases: Database of Single Nucleotide Polymorphisms (dbSNP), NHLBI Exome Sequencing Project (ESP), and 1000 Genomes Project. In the ESP, this variant was not observed in 6498 samples (12996 alleles) with coverage at this position. To date, this alteration has been detected with an allele frequency of approximately 0.001% (greater than 105000 alleles tested) in our clinical cohort. This amino acid position is not well conserved in available vertebrate species. In addition, this alteration is predicted to be tolerated by in silico analysis. Since supporting evidence is limited at this time, the clinical significance of p.M517R remains unclear.

NM_004360.5(CDH1):c.1550T>G (p.Met517Arg)

Gene: CDH1 (cadherin 1; plus strand). Cytogenetic location: 16q22.1.
Variant type: single nucleotide variant.
Coding change: c.1550T>G on transcript NM_004360.5 (MANE Select); coding-DNA position 1550, T replaced by G.
Protein change: p.Met517Arg; replaces methionine 517 with arginine.
Molecular consequence: missense variant. On other transcripts: initiator codon variant (1), 5 prime UTR variant (1).
Genome position (GRCh38, 1-based): chr16:68,815,744, T>G. VCF-style: chr16-68815744-T-G. GRCh37 (hg19) VCF-style: chr16-68849647-T-G.
Other names: c.1550T>G (LRG_301t1); c.1367T>G, p.Met456Arg (NM_001317184.2); c.2T>G, p.Met1Arg (NM_001317185.2); c.-270T>G (NM_001317186.2); short protein forms M517R, M456R, M1R.
Identifiers: ClinVar variation 233874 (VCV000233874.17), dbSNP rs786203656, ClinGen allele CA10580124.
Genomic context (GRCh38, chr16:68,815,744, plus strand): 5'-AGGACTTTGGCGTGGGCCAGGAAATCACATCCTACACTGCCCAGGAGCCAGACACATTTA[T>G]GGAACAGAAAATAACGTAAGTGTGAGGATTTTTCAACTGACTTGCAGCAACTGGTTATTT-3'
Protein context (NP_004351.1, residues 507-527): SYTAQEPDTF[Met517Arg]EQKITYRIWR